The following is an entry in ClinVar:

NM_000548.5(TSC2):c.4494-19C>T

Gene: TSC2 (TSC complex subunit 2; plus strand). Cytogenetic location: 16p13.3.
Variant type: single nucleotide variant.
Coding change: c.4494-19C>T on transcript NM_000548.5 (MANE Select); 19 bases into the intron before coding-DNA position 4494, C replaced by T.
Molecular consequence: intron variant.
Genome position (GRCh38, 1-based): chr16:2,084,932, C>T. VCF-style: chr16-2084932-C-T. GRCh37 (hg19) VCF-style: chr16-2134933-C-T.
Other names: c.4425-19C>T (NM_001114382.3); c.4365-19C>T (NM_021055.3, NM_001370405.1); c.4296-19C>T (NM_001363528.2); c.4362-19C>T (NM_001370404.1); c.4293-19C>T (NM_001077183.3); c.4185-19C>T (NM_001318827.2); c.3762-19C>T (NM_001318831.2); c.4149-19C>T (NM_001318829.2); and 1 more.
Identifiers: ClinVar variation 1552388 (VCV001552388.9), dbSNP rs779772312, ClinGen allele CA051389.
Genomic context (GRCh38, chr16:2,084,932, plus strand): 5'-GCTCTGTGTTCCTCCCTGTGGGCTGTGGCTGCCCTGGCCAGGCCCTCACCTGGGTGCCCA[C>T]CATCCCCTCCCTGTGCAGTTTCGTGTTCCTGCAGCTCTACCATTCCCCCTTCTTTGGCGA-3'

ClinVar aggregate classification (germline): Likely benign. Review status: criteria provided, multiple submitters, no conflicts (2 of 4 stars). 2 submissions from 2 submitters: Likely benign (2). Last evaluated 2026-01-16.

Conditions:
Tuberous sclerosis 2 (TSC2). Identifiers: Orphanet 805, MedGen C1860707, MONDO:0013199, OMIM 613254.

Allele frequency attached by ClinVar (database versions not stated): gnomAD 0.00001; ExAC 0.00002; TOPMed 0.00002.
gnomAD v4.1: 11 of 1,613,054 alleles (0.00068%); highest among the groups gnomAD compares: Non-Finnish European, 0.00093%; no homozygotes.

Submissions (2):

Labcorp Genetics (formerly Invitae), Labcorp
Classification: Likely benign for Tuberous sclerosis 2. Last evaluated: 2026-01-16. Review status: criteria provided, single submitter. Criteria: Invitae Variant Classification Sherloc (09022015). Collection method: clinical testing. Allele origin: germline.

Myriad Genetics, Inc.
Classification: Likely benign for Tuberous sclerosis 2. Last evaluated: 2025-06-03. Review status: criteria provided, single submitter. Criteria: Myriad Autosomal Dominant, Autosomal Recessive and X-Linked Classification Criteria (2023). Collection method: clinical testing. Allele origin: unknown.
Comment: This variant is considered likely benign. This variant is intronic and is not expected to impact mRNA splicing.